The following is an entry in ClinVar:

ClinVar aggregate classification (germline): Pathogenic (1 of 4 stars; one submission).

Conditions:
Primary ciliary dyskinesia. Also called: Ciliary dyskinesia. Identifiers: Orphanet 244, MedGen C0008780, MONDO:0016575, HP:0012265.

Submission:

Labcorp Genetics (formerly Invitae), Labcorp
Classification: Pathogenic for Primary ciliary dyskinesia. Last evaluated: 2017-05-26. Review status: criteria provided, single submitter. Criteria: Invitae Variant Classification Sherloc (09022015). Collection method: clinical testing. Allele origin: germline.
Comment: This sequence change creates a premature translational stop signal (p.Asn605Lysfs*7) in the DNAAF1 gene. It is expected to result in an absent or disrupted protein product. This variant is not present in population databases (ExAC no frequency). This variant has not been reported in the literature in individuals with a DNAAF1-related disease. Loss-of-function variants in DNAAF1 are known to be pathogenic (PMID: 19944405, 19944400). For these reasons, this variant has been classified as Pathogenic.

Literature cited by the submitters: PubMed 19944405; PubMed 19944400.

NM_178452.6(DNAAF1):c.1814dup (p.Asn605fs)

Gene: DNAAF1 (dynein axonemal assembly factor 1; plus strand). Cytogenetic location: 16q24.1.
Variant type: Duplication.
Coding change: c.1814dup on transcript NM_178452.6 (MANE Select); coding-DNA position 1814, one base duplicated (A; older notation c.1814dupA).
Protein change: p.Asn605fs; shifts the reading frame from asparagine 605.
Molecular consequence: frameshift variant.
Genome position (GRCh38, 1-based): chr16:84,176,048, A duplicated; the last of 3 consecutive A bases (chr16:84,176,046-84,176,048); duplicating any one gives the same sequence. VCF-style (leftmost placement, unchanged base first): chr16-84176045-C-CA. GRCh37 (hg19) VCF-style: chr16-84209651-C-CA.
Other names: c.1106dup, p.Asn369fs (NM_001318756.1); short protein forms N369fs, N605fs.
Identifiers: ClinVar variation 455002 (VCV000455002.7), dbSNP rs1555526915, ClinGen allele CA658658508.